The following is an entry in ClinVar:

ClinVar aggregate classification (germline): Uncertain significance (1 of 4 stars; one submission).

Conditions:
Progressive sclerosing poliodystrophy (MTDPS4A). Also called: ALPERS PROGRESSIVE INFANTILE POLIODYSTROPHY; NEURONAL DEGENERATION OF CHILDHOOD WITH LIVER DISEASE, PROGRESSIVE; Alpers Syndrome; ALPERS DIFFUSE DEGENERATION OF CEREBRAL GRAY MATTER WITH HEPATIC CIRRHOSIS; Alpers-Huttenlocher Syndrome; Mitochondrial DNA depletion syndrome 4A (Alpers type). Identifiers: Orphanet 726, MedGen C0205710, MONDO:0008758, OMIM 203700.

gnomAD v4.1: 1 of 1,604,156 alleles (0.000062%); highest among the groups gnomAD compares: Non-Finnish European, 0.000085%; no homozygotes.

Submission:

Labcorp Genetics (formerly Invitae), Labcorp
Classification: Uncertain significance for Progressive sclerosing poliodystrophy. Last evaluated: 2024-09-03. Review status: criteria provided, single submitter. Criteria: Invitae Variant Classification Sherloc (09022015). Collection method: clinical testing. Allele origin: germline.
Comment: This sequence change replaces glycine, which is neutral and non-polar, with alanine, which is neutral and non-polar, at codon 644 of the POLG protein (p.Gly644Ala). This variant is not present in population databases (gnomAD no frequency). This variant has not been reported in the literature in individuals affected with POLG-related conditions. Invitae Evidence Modeling of protein sequence and biophysical properties (such as structural, functional, and spatial information, amino acid conservation, physicochemical variation, residue mobility, and thermodynamic stability) indicates that this missense variant is not expected to disrupt POLG protein function with a negative predictive value of 95%. In summary, the available evidence is currently insufficient to determine the role of this variant in disease. Therefore, it has been classified as a Variant of Uncertain Significance.

NM_002693.3(POLG):c.1931G>C (p.Gly644Ala)

Gene: POLG (DNA polymerase gamma, catalytic subunit; minus strand). Cytogenetic location: 15q26.1.
Variant type: single nucleotide variant.
Coding change: c.1931G>C on transcript NM_002693.3 (MANE Select); coding-DNA position 1931, G replaced by C.
Protein change: p.Gly644Ala; replaces glycine 644 with alanine.
Molecular consequence: missense variant.
Genome position (GRCh38, 1-based): chr15:89,325,468, C>G on the plus strand (G>C on the coding strand, the complement: POLG is on the minus strand). VCF-style: chr15-89325468-C-G. GRCh37 (hg19) VCF-style: chr15-89868699-C-G.
Other names: c.1931G>C, p.Gly644Ala (NM_001126131.2); short protein forms G644A.
Identifiers: ClinVar variation 3688989 (VCV003688989.2).
Genomic context (GRCh38, chr15:89,325,468, plus strand): 5'-CCCTAGGCTCCAGCCCCTTCCTCCCCTGGGCCTAAGCCTTACCTGTAGGGGCAGACCACC[C>G]CAGCTGACTCCAGGGTGGTACCTGTCGGCAGCTTGGCCAGGTTGTCCCGCCGCCCAGGCA-3'
Protein context (NP_002684.1, residues 634-654): LPTGTTLESA[Gly644Ala]VVCPYRAIES